The following is an entry in ClinVar:

NM_001130021.3(ATP6V0A1):c.1976G>A (p.Arg659His)

Gene: ATP6V0A1 (ATPase H+ transporting V0 subunit a1; plus strand). Cytogenetic location: 17q21.2.
Variant type: single nucleotide variant.
Coding change: c.1976G>A on transcript NM_001130021.3 (MANE Select); coding-DNA position 1976, G replaced by A.
Protein change: p.Arg659His; replaces arginine 659 with histidine.
Molecular consequence: missense variant.
Genome position (GRCh38, 1-based): chr17:42,501,276, G>A. VCF-style: chr17-42501276-G-A. GRCh37 (hg19) VCF-style: chr17-40653294-G-A.
Other names: c.1997G>A, p.Arg666His (NM_001130020.3, NM_001378522.1, NM_001378523.1 and 3 more transcripts); c.2099G>A, p.Arg700His (NM_001378530.1, NM_001378533.1, NM_001378551.1 and 1 more transcripts); c.2120G>A, p.Arg707His (NM_001378531.1, NM_001378532.1); c.1976G>A, p.Arg659His (NM_001378535.1, NM_001378537.1, NM_001378542.1 and 3 more transcripts); c.1868G>A, p.Arg623His (NM_001378536.1, NM_001378550.1, NM_001378556.1); c.1847G>A, p.Arg616His (NM_001378538.1, NM_001378540.1); c.1817G>A, p.Arg606His (NM_001378543.1, NM_001378553.1); c.1766G>A, p.Arg589His (NM_001378545.1, NM_001378554.1, NM_001378555.1); and 3 more; short protein forms R589H, R623H, R707H, R599H, R616H, R659H, R700H, R577H.
Identifiers: ClinVar variation 2251083 (VCV002251083.4), dbSNP rs376300031, ClinGen allele CA8576455.

ClinVar aggregate classification (germline): Uncertain significance. Review status: criteria provided, multiple submitters, no conflicts (2 of 4 stars). 2 submissions from 2 submitters: Uncertain significance (2). Last evaluated 2024-09-08.

Conditions:
Inborn genetic diseases. Identifiers: MedGen C0950123, MeSH D030342.

Allele frequency attached by ClinVar (database versions not stated): ESP Exome Variant Server 0.00008; gnomAD 0.00008; gnomAD exomes 0.00008; TOPMed 0.00010.
gnomAD v4.1: 128 of 1,613,798 alleles (0.0079%); highest among the groups gnomAD compares: Middle Eastern, 0.066%; 2 homozygotes.

Submissions (2):

Ambry Genetics
Classification: Uncertain significance for Inborn genetic diseases. Last evaluated: 2024-09-08. Review status: criteria provided, single submitter. Criteria: Ambry Variant Classification Scheme 2023. Collection method: clinical testing. Allele origin: germline.

GeneDx
Classification: Uncertain significance. Last evaluated: 2023-02-18. Review status: criteria provided, single submitter. Criteria: GeneDx Variant Classification Process June 2021. Collection method: clinical testing. Allele origin: germline. Affected: yes.
Comment: In silico analysis supports that this missense variant does not alter protein structure/function; Has not been previously published as pathogenic or benign to our knowledge